The following is an entry in ClinVar:

NM_173354.5(SIK1):c.749-7T>A

Gene: SIK1 (salt inducible kinase 1; minus strand). Cytogenetic location: 21q22.3.
Variant type: single nucleotide variant.
Coding change: c.749-7T>A on transcript NM_173354.5 (MANE Select); 7 bases into the intron before coding-DNA position 749, T replaced by A.
Molecular consequence: intron variant.
Genome position (GRCh38, 1-based): chr21:43,420,464, A>T on the plus strand (T>A on the coding strand, the complement: SIK1 is on the minus strand). VCF-style: chr21-43420464-A-T. GRCh37 (hg19) VCF-style: chr21-44840344-A-T.
Identifiers: ClinVar variation 1489241 (VCV001489241.6), dbSNP rs2146472861, ClinGen allele CA2573157495.
Genomic context (GRCh38, chr21:43,420,464, plus strand): 5'-TGATGCGCCTGGCGGGGTCCACCACCAGCATGCGGCGGATCAGGCTCTCACAGTCTGTGG[A>T]GGGGCCAGGAGGCTGAGCCAGGGCGGCCGGGACCTCGGCTGCGCTCCCACCCACCGCCCC-3'

ClinVar aggregate classification (germline): Uncertain significance (1 of 4 stars; one submission).

Conditions:
Developmental and epileptic encephalopathy, 30 (DEE30). Also called: Epileptic encephalopathy, early infantile, 30. Identifiers: MedGen C4225360, MONDO:0014595, OMIM 616341.

Submission:

Labcorp Genetics (formerly Invitae), Labcorp
Classification: Uncertain significance for Developmental and epileptic encephalopathy, 30. Last evaluated: 2022-07-06. Review status: criteria provided, single submitter. Criteria: Invitae Variant Classification Sherloc (09022015). Collection method: clinical testing. Allele origin: germline.
Comment: This sequence change falls in intron 7 of the SIK1 gene. It does not directly change the encoded amino acid sequence of the SIK1 protein. This variant is not present in population databases (gnomAD no frequency). This variant has not been reported in the literature in individuals affected with SIK1-related conditions. ClinVar contains an entry for this variant (Variation ID: 1489241). Algorithms developed to predict the effect of sequence changes on RNA splicing suggest that this variant may create or strengthen a splice site. In summary, the available evidence is currently insufficient to determine the role of this variant in disease. Therefore, it has been classified as a Variant of Uncertain Significance.